The following is an entry in ClinVar:

ClinVar aggregate classification (germline): Uncertain significance. Review status: criteria provided, multiple submitters, no conflicts (2 of 4 stars). 6 submissions from 6 submitters: Uncertain significance (5). 1 of the submissions does not count toward it. Last evaluated 2025-08-02.

Conditions:
ELP1-related disorder. Also called: ELP1-related condition.
Familial dysautonomia. Also called: HSAN III; FD. Identifiers: Orphanet 1764, MedGen C0013364, MONDO:0009131, OMIM 223900. Disease mechanism: loss of function.
Medulloblastoma (MDB). Also called: Medulloblastoma, somatic; MEDULLOBLASTOMA PREDISPOSITION SYNDROME. Identifiers: Orphanet 616, MedGen C0025149, MeSH D008527, MONDO:0007959, OMIM 155255, HP:0002885.

Allele frequency attached by ClinVar (database versions not stated): gnomAD exomes below 0.00001 and 0.00005; ExAC 0.00001.
gnomAD v4.1: 76 of 1,609,824 alleles (0.0047%); highest among the groups gnomAD compares: Non-Finnish European, 0.006%; 1 homozygote.

Submissions (6):

GeneDx
Classification: Uncertain significance. Last evaluated: 2025-08-02. Review status: criteria provided, single submitter. Criteria: GeneDx Variant Classification Process June 2021. Collection method: clinical testing. Allele origin: germline. Affected: yes.
Comment: Not observed at significant frequency in large population cohorts (gnomAD); In silico analysis supports that this missense variant has a deleterious effect on protein structure/function; Has not been previously published as pathogenic or benign to our knowledge

PreventionGenetics, part of Exact Sciences
Classification: Uncertain significance for ELP1-related condition. Last evaluated: 2025-06-29. Review status: criteria provided, single submitter. Criteria: ACMG Guidelines, 2015. Collection method: clinical testing. Allele origin: germline.
Comment: The ELP1 c.3461A>G variant is predicted to result in the amino acid substitution p.Asp1154Gly. To our knowledge, this variant has not been reported in the literature. This variant is reported in 0.00088% of alleles in individuals of European (Non-Finnish) descent in gnomAD. At this time, the clinical significance of this variant is uncertain due to the absence of conclusive functional and genetic evidence.

Ambry Genetics
Classification: Uncertain significance. Last evaluated: 2025-04-05. Review status: criteria provided, single submitter. Criteria: Ambry Variant Classification Scheme 2023. Collection method: clinical testing. Allele origin: germline.
Comment: The p.D1154G variant (also known as c.3461A>G) is located in coding exon 32 of the IKBKAP gene. The aspartic acid at codon 1154 is replaced by glycine, an amino acid with similar properties. This change occurs in the first base pair of coding exon 32. This amino acid position is conserved. In addition, this alteration is predicted to be tolerated by in silico analysis. Based on the available evidence, the clinical significance of this variant remains unclear.

Labcorp Genetics (formerly Invitae), Labcorp
Classification: Uncertain significance. Last evaluated: 2024-05-02. Review status: criteria provided, single submitter. Criteria: Invitae Variant Classification Sherloc (09022015). Collection method: clinical testing. Allele origin: germline.
Comment: This sequence change replaces aspartic acid, which is acidic and polar, with glycine, which is neutral and non-polar, at codon 1154 of the ELP1 protein (p.Asp1154Gly). This variant is present in population databases (rs202165319, gnomAD 0.002%). This variant has not been reported in the literature in individuals affected with ELP1-related conditions. ClinVar contains an entry for this variant (Variation ID: 1002984). Algorithms developed to predict the effect of missense changes on protein structure and function output the following: SIFT: "Not Available"; PolyPhen-2: "Benign"; Align-GVGD: "Not Available". The glycine amino acid residue is found in multiple mammalian species, which suggests that this missense change does not adversely affect protein function. In summary, the available evidence is currently insufficient to determine the role of this variant in disease. Therefore, it has been classified as a Variant of Uncertain Significance.

Fulgent Genetics
Classification: Uncertain significance for Medulloblastoma; Familial dysautonomia. Last evaluated: 2023-12-21. Review status: criteria provided, single submitter. Criteria: ACMG Guidelines, 2015. Collection method: clinical testing. Allele origin: germline.

Natera, Inc.
Classification: Uncertain significance for Familial dysautonomia. Last evaluated: 2020-04-15. Review status: no assertion criteria provided. Collection method: clinical testing. Allele origin: germline. Not counted in ClinVar's aggregate classification.

NM_003640.5(ELP1):c.3461A>G (p.Asp1154Gly)

Gene: ELP1 (elongator acetyltransferase complex subunit 1; minus strand). Cytogenetic location: 9q31.3.
Variant type: single nucleotide variant.
Coding change: c.3461A>G on transcript NM_003640.5 (MANE Select); coding-DNA position 3461, A replaced by G.
Protein change: p.Asp1154Gly; replaces aspartic acid 1154 with glycine.
Molecular consequence: missense variant.
Genome position (GRCh38, 1-based): chr9:108,879,557, T>C on the plus strand (A>G on the coding strand, the complement: ELP1 is on the minus strand). VCF-style: chr9-108879557-T-C. GRCh37 (hg19) VCF-style: chr9-111641837-T-C.
Other names: c.3119A>G, p.Asp1040Gly (NM_001318360.2); c.2414A>G, p.Asp805Gly (NM_001330749.2); c.3461A>G (NM_003640.4, NM_003640.3); short protein forms D1040G, D1154G, D805G.
Identifiers: ClinVar variation 1002984 (VCV001002984.9), dbSNP rs202165319, ClinGen allele CA5174287.
Genomic context (GRCh38, chr9:108,879,557, plus strand): 5'-CTCACGACACTGCTAGTTTCAGAGAAGAGGTCTGACTCTTGCCCGTGGGGTACCTCATCA[T>C]CTAGAAAAGAAGAACCAGAAGCCGATGAAAACACTGCCTGCTAATGTGTGGGTTTACTTT-3'
Protein context (NP_003631.2, residues 1144-1164): LKEQAQQAGL[Asp1154Gly]DEVPHGQESD